The following is an entry in ClinVar:

ClinVar aggregate classification (germline): Likely benign. Review status: criteria provided, multiple submitters, no conflicts (2 of 4 stars). 3 submissions from 3 submitters: Likely benign (3). Last evaluated 2024-03-04.

Allele frequency attached by ClinVar (database versions not stated): gnomAD exomes 0.00014; ExAC 0.00019; 1000 Genomes Project 30x 0.00042; gnomAD 0.00051 and 0.00054; 1000 Genomes Project 0.00053; ESP Exome Variant Server 0.00066.
gnomAD v4.1: 122 of 1,203,625 alleles (0.01%); highest among the groups gnomAD compares: African/African-American, 0.14%; no homozygotes.

Submissions (3):

Ambry Genetics
Classification: Likely benign. Last evaluated: 2024-03-04. Review status: criteria provided, single submitter. Criteria: Ambry Variant Classification Scheme 2023. Collection method: clinical testing. Allele origin: germline.

CeGaT Center for Human Genetics Tuebingen
Classification: Likely benign. Last evaluated: 2023-07-01. Review status: criteria provided, single submitter. Criteria: CeGaT Center For Human Genetics Tuebingen Variant Classification Criteria Version 2. Collection method: clinical testing. Allele origin: germline. Affected: yes. Observed: 1 variant allele.
Comment: COL4A6: BS2

GeneDx
Classification: Likely benign. Last evaluated: 2020-02-23. Review status: criteria provided, single submitter. Criteria: GeneDx Variant Classification Process June 2021. Collection method: clinical testing. Allele origin: germline. Affected: yes.

NM_033641.4(COL4A6):c.2807G>A (p.Arg936His)

Gene: COL4A6 (collagen type IV alpha 6 chain; minus strand). Cytogenetic location: Xq22.3.
Variant type: single nucleotide variant.
Coding change: c.2807G>A on transcript NM_033641.4 (MANE Select); coding-DNA position 2807, G replaced by A.
Protein change: p.Arg936His; replaces arginine 936 with histidine.
Molecular consequence: missense variant.
Genome position (GRCh38, 1-based): chrX:108,175,677, C>T on the plus strand (G>A on the coding strand, the complement: COL4A6 is on the minus strand). VCF-style: chrX-108175677-C-T. GRCh37 (hg19) VCF-style: chrX-107418907-C-T.
Other names: c.2858G>A, p.Arg953His (NM_001287758.2); c.2807G>A, p.Arg936His (NM_001287759.2, NM_001287760.2); c.2810G>A, p.Arg937His (NM_001847.4); c.2810G>A (NM_001847.2); short protein forms R936H, R937H, R953H.
Identifiers: ClinVar variation 1317185 (VCV001317185.27), dbSNP rs140519216, ClinGen allele CA10487567.